The following is an entry in ClinVar:

NM_000548.5(TSC2):c.1996C>G (p.Pro666Ala)

Gene: TSC2 (TSC complex subunit 2; plus strand). Cytogenetic location: 16p13.3.
Variant type: single nucleotide variant.
Coding change: c.1996C>G on transcript NM_000548.5 (MANE Select); coding-DNA position 1996, C replaced by G.
Protein change: p.Pro666Ala; replaces proline 666 with alanine.
Molecular consequence: missense variant.
Genome position (GRCh38, 1-based): chr16:2,071,833, C>G. VCF-style: chr16-2071833-C-G. GRCh37 (hg19) VCF-style: chr16-2121834-C-G.
Other names: c.1996C>G, p.Pro666Ala (NM_001077183.3, NM_001114382.3, NM_001363528.2 and 6 more transcripts); c.1885C>G, p.Pro629Ala (NM_001318827.2, NM_001406670.1, NM_001406678.1); c.1849C>G, p.Pro617Ala (NM_001318829.2, NM_001406675.1, NM_001406676.1 and 1 more transcripts); c.1396C>G, p.Pro466Ala (NM_001318831.2, NM_001406680.1, NM_001406682.1 and 6 more transcripts); c.2029C>G, p.Pro677Ala (NM_001318832.2); c.2086C>G, p.Pro696Ala (NM_001406667.1, NM_001406668.1); c.1984C>G, p.Pro662Ala (NM_001406671.1, NM_001406673.1); c.1939C>G, p.Pro647Ala (NM_001406677.1); and 3 more; short protein forms P218A, P466A, P617A, P647A, P512A, P662A, P696A, P666A.
Identifiers: ClinVar variation 2102988 (VCV002102988.5), dbSNP rs2151305388, ClinGen allele CA394274424.

ClinVar aggregate classification (germline): Uncertain significance. Review status: criteria provided, multiple submitters, no conflicts (2 of 4 stars). 2 submissions from 2 submitters: Uncertain significance (2). Last evaluated 2025-09-19.

Conditions:
Tuberous sclerosis 2 (TSC2). Identifiers: Orphanet 805, MedGen C1860707, MONDO:0013199, OMIM 613254.

Submissions (2):

Labcorp Genetics (formerly Invitae), Labcorp
Classification: Uncertain significance for Tuberous sclerosis 2. Last evaluated: 2025-09-19. Review status: criteria provided, single submitter. Criteria: Invitae Variant Classification Sherloc (09022015). Collection method: clinical testing. Allele origin: germline.
Comment: This sequence change replaces proline, which is neutral and non-polar, with alanine, which is neutral and non-polar, at codon 666 of the TSC2 protein (p.Pro666Ala). This variant is not present in population databases (gnomAD no frequency). This variant has not been reported in the literature in individuals affected with TSC2-related conditions. ClinVar contains an entry for this variant (Variation ID: 2102988). Invitae Evidence Modeling of protein sequence and biophysical properties (such as structural, functional, and spatial information, amino acid conservation, physicochemical variation, residue mobility, and thermodynamic stability) indicates that this missense variant is not expected to disrupt TSC2 protein function with a negative predictive value of 95%. In summary, the available evidence is currently insufficient to determine the role of this variant in disease. Therefore, it has been classified as a Variant of Uncertain Significance.

Women's Health and Genetics/Laboratory Corporation of America, LabCorp
Classification: Uncertain significance. Last evaluated: 2024-10-04. Review status: criteria provided, single submitter. Criteria: LabCorp Variant Classification Summary - May 2015. Collection method: clinical testing. Allele origin: germline.
Comment: Variant summary: TSC2 c.1996C>G (p.Pro666Ala) results in a non-conservative amino acid change located in the Tuberin-type domain (IPR018515) of the encoded protein sequence. Five of five in-silico tools predict a damaging effect of the variant on protein function. The frequency data for this variant in gnomAD is considered unreliable, as metrics indicate poor data quality at this position. To our knowledge, no occurrence of c.1996C>G in individuals affected with Tuberous Sclerosis Complex and no experimental evidence demonstrating its impact on protein function have been reported. ClinVar contains an entry for this variant (Variation ID: 2102988). Based on the evidence outlined above, the variant was classified as uncertain significance.